The following is an entry in ClinVar:

NC_000023.10:g.(?_10450500)_(10450688_?)dup

Gene: MID1 (midline 1; minus strand). Cytogenetic location: Xp22.2.
Variant type: Duplication.
Identifiers: ClinVar variation 2422986 (VCV002422986.4).

ClinVar aggregate classification (germline): Likely pathogenic (1 of 4 stars; one submission).

Submission:

Labcorp Genetics (formerly Invitae), Labcorp
Classification: Likely pathogenic. Last evaluated: 2022-02-10. Review status: criteria provided, single submitter. Criteria: Invitae Variant Classification Sherloc (09022015). Collection method: clinical testing. Allele origin: germline.
Comment: This variant results in a copy number gain of the genomic region encompassing exon(s) 5 of the MID1 gene. While the exact position of this variant cannot be determined from the data, sub-genic copy number gains are generally in tandem (PMID: 25640679). This variant is predicted to be out-of-frame, and may result in an absent or disrupted protein product. Loss-of-function variants in MID1 are known to be pathogenic (PMID: 15558842, 17221865, 21326312). A similar copy number variant has been observed in individual(s) with clinical features Opitz GBBB syndrome (Invitae). In summary, the currently available evidence indicates that the variant is pathogenic, but additional data are needed to prove that conclusively. Therefore, this variant has been classified as Likely Pathogenic.

Literature cited by the submitters: PubMed 25640679; PubMed 15558842; PubMed 17221865; PubMed 21326312.